The following is an entry in ClinVar:

ClinVar aggregate classification (germline): Uncertain significance (1 of 4 stars; one submission).

Allele frequency attached by ClinVar (database versions not stated): gnomAD exomes 0.00011 and 0.00022; gnomAD 0.00015 and 0.00017; 1000 Genomes Project 30x 0.00016; 1000 Genomes Project 0.00020; ESP Exome Variant Server 0.00022; TOPMed 0.00024; ExAC 0.00028.
gnomAD v4.1: 174 of 1,551,150 alleles (0.011%); highest among the groups gnomAD compares: South Asian, 0.054%; no homozygotes.

Submission:

Labcorp Genetics (formerly Invitae), Labcorp
Classification: Uncertain significance. Last evaluated: 2022-10-08. Review status: criteria provided, single submitter. Criteria: Invitae Variant Classification Sherloc (09022015). Collection method: clinical testing. Allele origin: germline.
Comment: This sequence change replaces alanine, which is neutral and non-polar, with valine, which is neutral and non-polar, at codon 440 of the KPNA7 protein (p.Ala440Val). This variant is present in population databases (rs202050828, gnomAD 0.06%). This variant has not been reported in the literature in individuals affected with KPNA7-related conditions. ClinVar contains an entry for this variant (Variation ID: 639961). Algorithms developed to predict the effect of missense changes on protein structure and function output the following: SIFT: "Tolerated"; PolyPhen-2: "Benign"; Align-GVGD: "Class C0". The valine amino acid residue is found in multiple mammalian species, which suggests that this missense change does not adversely affect protein function. Algorithms developed to predict the effect of sequence changes on RNA splicing suggest that this variant may create or strengthen a splice site. In summary, the available evidence is currently insufficient to determine the role of this variant in disease. Therefore, it has been classified as a Variant of Uncertain Significance.

NM_001145715.3(KPNA7):c.1319C>T (p.Ala440Val)

Gene: KPNA7 (karyopherin subunit alpha 7; minus strand). Cytogenetic location: 7q22.1.
Variant type: single nucleotide variant.
Coding change: c.1319C>T on transcript NM_001145715.3 (MANE Select); coding-DNA position 1319, C replaced by T.
Protein change: p.Ala440Val; replaces alanine 440 with valine.
Molecular consequence: missense variant.
Genome position (GRCh38, 1-based): chr7:99,178,065, G>A on the plus strand (C>T on the coding strand, the complement: KPNA7 is on the minus strand). VCF-style: chr7-99178065-G-A. GRCh37 (hg19) VCF-style: chr7-98775688-G-A.
Other names: short protein forms A440V.
Identifiers: ClinVar variation 639961 (VCV000639961.4), dbSNP rs202050828, ClinGen allele CA4363110.